The following is an entry in ClinVar:

ClinVar aggregate classification (germline): Pathogenic (0 of 4 stars; one submission).

Submission:

ISCA Site 6
Classification: Pathogenic. Last evaluated: 2018-02-05. Review status: no assertion criteria provided. Collection method: clinical testing. Allele origin: unknown. Affected: yes. Observed: 1 variant allele.
Comment: 16p11.2 recurrent region (includes TBX6) (proximal region) (BP4-BP5) (hg19 chr16: 29,649,996-30,199,855), enriched in cases with ID/DD, MCA etc vs controls, ClinGen triplosensitivity score = 3

Copy number variation identified through the course of routine clinical cytogenomic testing in postnatal populations. Clinical assertions have been curated as described in Kaminsky et al. 2011.

Copy number variation identified through the course of routine clinical cytogenomic testing in postnatal populations. Clinical assertions have been curated as described in Kaminsky, et al. 2011 (PubMed 21844811). For additional ClinGen data, please see nstd37.

GRCh38/hg38 16p11.2(chr16:29645363-30183432)x3

Genes: ALDOA (aldolase, fructose-bisphosphate A; plus strand), ASPHD1 (aspartate beta-hydroxylase domain containing 1; plus strand), C16orf54 (chromosome 16 open reading frame 54; minus strand), CDIPT (CDP-diacylglycerol--inositol 3-phosphatidyltransferase; minus strand), CDIPTOSP (CDIP transferase opposite strand, pseudogene; plus strand) and 92 more. Cytogenetic location: 16p11.2.
Variant type: copy number gain.
Change: copy number 3 (three copies instead of two) of chr16:29,645,363-30,183,432 (538.1 kb, GRCh38 coordinates, 1-based), cytogenetic band 16p11.2.
Identifiers: ClinVar variation 60384 (VCV000060384.4).